The following is an entry in ClinVar:

ClinVar aggregate classification (germline): Conflicting classifications of pathogenicity. Review status: criteria provided, conflicting classifications (1 of 4 stars). 11 submissions from 11 submitters: Uncertain significance (3); Benign (1); Likely benign (2). 5 of the submissions do not count toward it. Last evaluated 2026-01-28.

Conditions:
ABCA4-related disorder. Also called: ABCA4-related condition; ABCA4-related disorders. Identifiers: MedGen CN239167.
Stargardt disease (FFM). Also called: Fundus flavimaculatus; Stargardt's disease. Identifiers: Orphanet 827, MedGen C0271093, MONDO:0019353.
Cone-rod dystrophy. Also called: Cone/cone-rod dystrophy; Cone-rod degeneration. Identifiers: Orphanet 1872, MedGen C4085590, MONDO:0015993, HP:0000548.

Allele frequency attached by ClinVar (database versions not stated): 1000 Genomes Project 0.00120; 1000 Genomes Project 30x 0.00172; gnomAD 0.00174 and 0.00175; ExAC 0.00175; ESP Exome Variant Server 0.00177; gnomAD exomes 0.00195 and 0.00361; TOPMed 0.00198.
gnomAD v4.1: 5,484 of 1,614,130 alleles (0.34%); highest among the groups gnomAD compares: Non-Finnish European, 0.43%; 13 homozygotes.

Submissions (11):

Labcorp Genetics (formerly Invitae), Labcorp
Classification: Benign. Last evaluated: 2026-01-28. Review status: criteria provided, single submitter. Criteria: Invitae Variant Classification Sherloc (09022015). Collection method: clinical testing. Allele origin: germline.

GeneDx
Classification: Uncertain significance. Last evaluated: 2025-09-04. Review status: criteria provided, single submitter. Criteria: GeneDx Variant Classification Process June 2021. Collection method: clinical testing. Allele origin: germline. Affected: yes.
Comment: Observed in several patients with age-related macular dystrophy, Stargardt disease, or other retinal disease in published literature; and occasionally found with another ABCA4 variant (phase unknown) (PMID: 10958763, 22229821, 23953153, 28341476, 37734845); Published functional studies suggest a damaging effect with reduced protein expression level compared to wild-type protein and abnormal cellular localization (PMID: 21721517); Observed in large population cohorts, including in the homozygous state in unrelated healthy adult individuals tested at GeneDx and in an individual in large population cohorts (gnomAD; internal data); In silico analysis indicates that this missense variant does not alter protein structure/function; This variant is associated with the following publications: (PMID: 12824224, 35120629, 36672815, 25087612, 23953153, 28341476, 11726554, 11328725, 17325136, 22229821, 17982420, 34426522, 38927702, 22264887, 31429209, 10958763, 30718709, 21721517, 31212395, 32717343, 19028736, 37734845)

Blueprint Genetics
Classification: Likely benign. Last evaluated: 2024-11-14. Review status: criteria provided, single submitter. Criteria: ACMG Guidelines, 2015. Collection method: clinical testing. Allele origin: germline.

CeGaT Center for Human Genetics Tuebingen
Classification: Likely benign. Last evaluated: 2023-10-01. Review status: criteria provided, single submitter. Criteria: CeGaT Center For Human Genetics Tuebingen Variant Classification Criteria Version 2. Collection method: clinical testing. Allele origin: germline. Affected: yes. Observed: 2 variant alleles.
Comment: ABCA4: BS1

Victorian Clinical Genetics Services, Murdoch Childrens Research Institute
Classification: Uncertain significance for Stargardt disease. Last evaluated: 2021-05-06. Review status: criteria provided, single submitter. Criteria: ACMG Guidelines, 2015. Collection method: clinical testing. Allele origin: germline.
Comment: Based on the classification scheme VCGS_Germline_v1.3.4, this variant is classified as VUS-3B. Following criteria are met: 0102 - Loss of function is a known mechanism of disease in this gene and is associated with Stargardt disease 1 (MIM#248200) and cone-rod dystrophy (MIM#604116). (I) 0106 - This gene is associated with autosomal recessive disease. (I) 0115 - Variants in this gene are known to have variable expressivity. Affected siblings can have variable age of onset and severity of disease (PMID:31522899). (I) 0200 - Variant is predicted to result in a missense amino acid change from threonine to alanine. (I) 0251 - This variant is heterozygous. (I) 0304 - Variant is present in gnomAD <0.01 for a recessive condition (v2) (533 heterozygotes, 1 homozygote). (SP) 0502 - Missense variant with conflicting in silico predictions and uninformative conservation. (I) 0604 - Variant is not located in an established domain, motif, hotspot or informative constraint region. (I) 0809 - Previous evidence of pathogenicity for this variant is inconclusive. This variant has been reported once as benign and as a VUS in ClinVar (most recently benign). It has been reported in trans with another ABCA4 variant in at least three patients with ABCA4-related eye disease however in 2 of these patients, the variant on the other allele has been reported as benign or likely benign in ClinVar (PMIDs: 31212395, 22229821, 17325136). This variant has also been reported as a heterozygous variant in multiple patients with ABCA4-related eye disease, where a 2nd disease-causing variant was not determined (PMIDs: 31429209, 30718709, 19028736, 17982420). In addition, this variant has been identified as a complex allele with unknown zygosity in at least 1 patient and reported as a VUS (PMID: 32717343). (I) 1002 - This variant has moderate functional evidence supporting abnormal protein function. The variant was incorporated into a plasmid and transfected into HEK293 human kidney embryonic cells. Western blot analysis and ATP-labelling showed a substantially reduced the ATP-binding activity ability of the mutant protein (PMID: 11726554) (SP) Legend: (SP) - Supporting pathogenic, (I) - Information, (SB) - Supporting benign

Illumina Laboratory Services, Illumina
Classification: Uncertain significance for ABCA4-Related Disorders. Last evaluated: 2017-04-27. Review status: criteria provided, single submitter. Criteria: ICSL Variant Classification Criteria 13 December 2019. Collection method: clinical testing. Allele origin: germline.

PreventionGenetics, part of Exact Sciences
Classification: Likely benign for ABCA4-related condition. Last evaluated: 2019-11-27. Review status: no assertion criteria provided. Collection method: clinical testing. Allele origin: germline. Not counted in ClinVar's aggregate classification.
Comment: This variant is classified as likely benign based on ACMG/AMP sequence variant interpretation guidelines (Richards et al. 2015 PMID: 25741868, with internal and published modifications).

Department of Clinical Genetics, Copenhagen University Hospital, Rigshospitalet
Classification: Likely pathogenic for Cone-rod dystrophy. Last evaluated: 2018-04-01. Review status: no assertion criteria provided. Collection method: research. Allele origin: unknown. Affected: yes. Study: VeluxRD. Not counted in ClinVar's aggregate classification.

Clinical Genetics DNA and cytogenetics Diagnostics Lab, Erasmus MC, Erasmus Medical Center
Classification: Uncertain significance. Review status: no assertion criteria provided. Collection method: clinical testing. Allele origin: germline. Affected: yes. Study: VKGL Data-share Consensus. Not counted in ClinVar's aggregate classification.

Joint Genome Diagnostic Labs from Nijmegen and Maastricht, Radboudumc and MUMC+
Classification: Uncertain significance. Review status: no assertion criteria provided. Collection method: clinical testing. Allele origin: germline. Affected: yes. Study: VKGL Data-share Consensus. Not counted in ClinVar's aggregate classification.

Retina International
No classification provided. Review status: no classification provided. Collection method: not provided. Allele origin: not provided. Not counted in ClinVar's aggregate classification.

Literature cited by the submitters: PubMed 17325136 (cited by Victorian Clinical Genetics Services, Murdoch Childrens Research Institute); PubMed 17982420 (cited by Victorian Clinical Genetics Services, Murdoch Childrens Research Institute); PubMed 19028736 (cited by Victorian Clinical Genetics Services, Murdoch Childrens Research Institute); PubMed 22229821 (cited by Victorian Clinical Genetics Services, Murdoch Childrens Research Institute); PubMed 30718709 (cited by Victorian Clinical Genetics Services, Murdoch Childrens Research Institute and Department of Clinical Genetics, Copenhagen University Hospital, Rigshospitalet); PubMed 31212395 (cited by Victorian Clinical Genetics Services, Murdoch Childrens Research Institute); PubMed 31429209 (cited by Victorian Clinical Genetics Services, Murdoch Childrens Research Institute); PubMed 32717343 (cited by Victorian Clinical Genetics Services, Murdoch Childrens Research Institute); PubMed 11726554 (cited by Victorian Clinical Genetics Services, Murdoch Childrens Research Institute); PubMed 31522899 (cited by Victorian Clinical Genetics Services, Murdoch Childrens Research Institute).

NM_000350.3(ABCA4):c.2701A>G (p.Thr901Ala)

Gene: ABCA4 (ATP binding cassette subfamily A member 4; minus strand). Cytogenetic location: 1p22.1.
Variant type: single nucleotide variant.
Coding change: c.2701A>G on transcript NM_000350.3 (MANE Select); coding-DNA position 2701, A replaced by G.
Protein change: p.Thr901Ala; replaces threonine 901 with alanine.
Molecular consequence: missense variant.
Genome position (GRCh38, 1-based): chr1:94,048,910, T>C on the plus strand (A>G on the coding strand, the complement: ABCA4 is on the minus strand). VCF-style: chr1-94048910-T-C. GRCh37 (hg19) VCF-style: chr1-94514466-T-C.
Other names: c.2479A>G, p.Thr827Ala (NM_001425324.1); short protein forms T901A, T827A.
Identifiers: ClinVar variation 99155 (VCV000099155.58), dbSNP rs61754030, ClinGen allele CA227025.